The following is an entry in ClinVar:

NC_000007.14:g.117479647A>G

Genes: CFTR (CF transmembrane conductance regulator; plus strand), LOC111674463 (CFTR promoter region; plus strand). Cytogenetic location: 7q31.2.
Variant type: single nucleotide variant.
Genome position: GRCh38 VCF-style: chr7-117479647-A-G. GRCh37 (hg19) VCF-style: chr7-117119701-A-G.
Identifiers: ClinVar variation 439085 (VCV000439085.19), dbSNP rs943663200, ClinGen allele CA164948506.

ClinVar aggregate classification (germline): Conflicting classifications of pathogenicity. Review status: criteria provided, conflicting classifications (1 of 4 stars). 6 submissions from 6 submitters: Uncertain significance (4); Likely benign (1). 1 of the submissions does not count toward it. Last evaluated 2024-04-26.

Conditions:
Cystic fibrosis (CF). Also called: MUCOVISCIDOSIS. Identifiers: Orphanet 586, MedGen C0010674, MONDO:0009061, OMIM 219700. Disease mechanism: loss of function.

Allele frequency attached by ClinVar (database versions not stated): gnomAD exomes 0.00004; gnomAD 0.00041 and 0.00038; TOPMed 0.00046.

Submissions (6):

GeneDx
Classification: Uncertain significance. Last evaluated: 2024-04-26. Review status: criteria provided, single submitter. Criteria: GeneDx Variant Classification Process June 2021. Collection method: clinical testing. Allele origin: germline. Affected: yes.
Comment: Describes a nucleotide substitution 448 basepairs upstream of the ATG translational start site in the 5' untranslated region (UTR); Also known as -316 A>G; This variant is associated with the following publications: (PMID: 23810505, 26574590)

Labcorp Genetics (formerly Invitae), Labcorp
Classification: Likely benign for Cystic fibrosis. Last evaluated: 2022-10-29. Review status: criteria provided, single submitter. Criteria: Invitae Variant Classification Sherloc (09022015). Collection method: clinical testing. Allele origin: germline.

Eurofins Ntd Llc (ga)
Classification: Uncertain significance. Last evaluated: 2018-08-22. Review status: criteria provided, single submitter. Criteria: EGL ClinVar v180209 classification definitions. Collection method: clinical testing. Allele origin: germline. Observed: 2 variant alleles, 2 heterozygotes.

Ambry Genetics
Classification: Uncertain significance for Cystic fibrosis. Last evaluated: 2017-12-21. Review status: criteria provided, single submitter. Criteria: Ambry Variant Classification Scheme 2023. Collection method: clinical testing. Allele origin: germline.
Comment: The c.-448A>G alteration is located in the 5' untranslated region (5'UTR) of the CFTR gene. This alteration consists of a A to G substitution nucleotides upstream from the first translated codon. Based on insufficient or conflicting evidence, the clinical significance of this alteration remains unclear.

Quest Diagnostics Nichols Institute San Juan Capistrano
Classification: Uncertain significance. Last evaluated: 2016-09-20. Review status: criteria provided, single submitter. Criteria: Quest Diagnostics criteria. Collection method: clinical testing. Allele origin: germline.

Counsyl
Classification: Uncertain significance for Cystic fibrosis. Last evaluated: 2017-10-04. Review status: no assertion criteria provided. Collection method: clinical testing. Allele origin: unknown. Not counted in ClinVar's aggregate classification.

Literature cited by the submitters: PubMed 23810505 (cited by Quest Diagnostics Nichols Institute San Juan Capistrano and Counsyl); PubMed 26574590 (cited by Counsyl).